The following is an entry in ClinVar:

NM_000434.4(NEU1):c.914G>T (p.Arg305Leu)

Gene: NEU1 (neuraminidase 1; minus strand). Cytogenetic location: 6p21.33.
Variant type: single nucleotide variant.
Coding change: c.914G>T on transcript NM_000434.4 (MANE Select); coding-DNA position 914, G replaced by T.
Protein change: p.Arg305Leu; replaces arginine 305 with leucine.
Molecular consequence: missense variant.
Genome position (GRCh38, 1-based): chr6:31,860,149, C>A on the plus strand (G>T on the coding strand, the complement: NEU1 is on the minus strand). VCF-style: chr6-31860149-C-A. GRCh37 (hg19) VCF-style: chr6-31827926-C-A.
Other names: short protein forms R305L.
Identifiers: ClinVar variation 3340093 (VCV003340093.3).

ClinVar aggregate classification (germline): Uncertain significance (0 of 4 stars; one submission).

Conditions:
Sialidosis type 2. Also called: NEURAMINIDASE DEFICIENCY; Mucolipidosis type 1; NEU 1 deficiency; GLYCOPROTEIN NEURAMINIDASE DEFICIENCY; LIPOMUCOPOLYSACCHARIDOSIS; SIALIDASE DEFICIENCY. Identifiers: Orphanet 812, Orphanet 87876, MedGen C4282398, MONDO:0009738, OMIM 256550.

Submission:

Centre de Recherche et de Formation en Génétique Médicale et en Neurosciences, Université des Sciences, des Techniques et des Technologies de Bamako
Classification: Uncertain significance for Sialidosis type 2. Last evaluated: 2024-08-30. Review status: no assertion criteria provided. Collection method: research. Allele origin: germline. Inheritance: Autosomal recessive inheritance. Affected: yes. Observed: 1 homozygote.
Comment: PM1, PM2, PM5